The following is an entry in ClinVar:

NM_020433.5(JPH2):c.1667G>A (p.Arg556Gln)

Gene: JPH2 (junctophilin 2; minus strand). Cytogenetic location: 20q13.12.
Variant type: single nucleotide variant.
Coding change: c.1667G>A on transcript NM_020433.5 (MANE Select); coding-DNA position 1667, G replaced by A.
Protein change: p.Arg556Gln; replaces arginine 556 with glutamine.
Molecular consequence: missense variant.
Genome position (GRCh38, 1-based): chr20:44,116,008, C>T on the plus strand (G>A on the coding strand, the complement: JPH2 is on the minus strand). VCF-style: chr20-44116008-C-T. GRCh37 (hg19) VCF-style: chr20-42744648-C-T.
Other names: short protein forms R556Q.
Identifiers: ClinVar variation 1050699 (VCV001050699.1), dbSNP rs780999986, ClinGen allele CA9868641.

ClinVar aggregate classification (germline): Uncertain significance (0 of 4 stars; one submission).

Allele frequency attached by ClinVar (database versions not stated): gnomAD exomes below 0.00001 and 0.00001; ExAC 0.00005.
gnomAD v4.1: 5 of 1,580,696 alleles (0.00032%); highest among the groups gnomAD compares: South Asian, 0.0011%; no homozygotes.

Submission:

Department of Pathology and Laboratory Medicine, Sinai Health System
Classification: Uncertain significance. Review status: no assertion criteria provided. Collection method: clinical testing. Allele origin: unknown. Affected: yes. Study: The Canadian Open Genetics Repository (COGR).
Comment: The JPH2 p.Arg556Gln variant was not identified in the literature nor was it identified in ClinVar or LOVD 3.0. The variant was identified in dbSNP (ID: rs780999986) and in control databases in 2 of 191092 chromosomes at a frequency of 0.00001047 (Genome Aggregation Database March 6, 2019, v2.1.1). The variant was observed in the following populations: South Asian in 1 of 27544 chromosomes (freq: 0.000036) and European (non-Finnish) in 1 of 84280 chromosomes (freq: 0.000012), but was not observed in the African, Latino, Ashkenazi Jewish, East Asian, European (Finnish), or Other populations. The p.Arg556 residue is not conserved in mammals and computational analyses (PolyPhen-2, SIFT, AlignGVGD, BLOSUM, MutationTaster) do not suggest a high likelihood of impact to the protein; however, this information is not predictive enough to rule out pathogenicity. The variant occurs outside of the splicing consensus sequence and 2 of 4 in silico or computational prediction software programs (SpliceSiteFinder, MaxEntScan, NNSPLICE, GeneSplicer) predict a greater than 10% difference in splicing; this is not very predictive of pathogenicity. In summary, based on the above information the clinical significance of this variant cannot be determined with certainty at this time. This variant is classified as a variant of uncertain significance.